The following is an entry in ClinVar:

ClinVar aggregate classification (germline): Likely benign. Review status: criteria provided, multiple submitters, no conflicts (2 of 4 stars). 2 submissions from 2 submitters: Likely benign (2). Last evaluated 2024-05-28.

Conditions:
Hereditary breast ovarian cancer syndrome. Also called: BRCA1- and BRCA2-Associated Hereditary Breast and Ovarian Cancer; Hereditary breast and/or ovarian cancer syndrome; Hereditary breast and ovarian cancer syndrome (HBOC); Breast and ovarian cancer; Hereditary breast and ovarian cancer; Hereditary breast and ovarian cancer syndrome. Identifiers: Orphanet 145, MedGen C0677776, MeSH D061325, MONDO:0003582. Disease mechanism: loss of function.

Submissions (2):

Labcorp Genetics (formerly Invitae), Labcorp
Classification: Likely benign for Hereditary breast ovarian cancer syndrome. Last evaluated: 2024-05-28. Review status: criteria provided, single submitter. Criteria: Invitae Variant Classification Sherloc (09022015). Collection method: clinical testing. Allele origin: germline.

GeneDx
Classification: Likely benign. Last evaluated: 2018-03-20. Review status: criteria provided, single submitter. Criteria: GeneDx Variant Classification (06012015). Collection method: clinical testing. Allele origin: germline. Affected: yes.
Comment: This variant is considered likely benign or benign based on one or more of the following criteria: it is a conservative change, it occurs at a poorly conserved position in the protein, it is predicted to be benign by multiple in silico algorithms, and/or has population frequency not consistent with disease.

NM_007294.4(BRCA1):c.2241C>T (p.Pro747=)

Gene: BRCA1 (BRCA1 DNA repair associated; minus strand). Cytogenetic location: 17q21.31.
Variant type: single nucleotide variant.
Coding change: c.2241C>T on transcript NM_007294.4 (MANE Select); coding-DNA position 2241, C replaced by T.
Protein change: p.Pro747=; no amino-acid change (proline 747 retained).
Molecular consequence: synonymous variant. On other transcripts: intron variant (137).
Genome position (GRCh38, 1-based): chr17:43,093,290, G>A on the plus strand (C>T on the coding strand, the complement: BRCA1 is on the minus strand). VCF-style: chr17-43093290-G-A. GRCh37 (hg19) VCF-style: chr17-41245307-G-A.
Other names: c.2097C>T, p.Pro699= (NM_001407740.1, NM_001407741.1, NM_001407742.1 and 20 more transcripts); c.2100C>T, p.Pro700= (NM_001407750.1, NM_001407751.1, NM_001407752.1 and 29 more transcripts); c.2031C>T, p.Pro677= (NM_001407884.1, NM_001407885.1, NM_001407886.1 and 13 more transcripts); c.2028C>T, p.Pro676= (NM_001407897.1, NM_001407898.1, NM_001407899.1 and 9 more transcripts); c.2241C>T, p.Pro747= (NM_001407854.1, NM_001407858.1, NM_001407859.1 and 30 more transcripts); c.2238C>T, p.Pro746= (NM_001407860.1, NM_001407861.1, NM_001407587.1 and 22 more transcripts); c.2040C>T, p.Pro680= (NM_001407862.1); c.2118C>T, p.Pro706= (NM_001407863.1, NM_001407648.1, NM_001407664.1 and 19 more transcripts); and 41 more.
Identifiers: ClinVar variation 681125 (VCV000681125.4), dbSNP rs1597871237, ClinGen allele CA500233217.